The following is an entry in ClinVar:

ClinVar aggregate classification (germline): Pathogenic (1 of 4 stars; one submission).

Conditions:
Wilson disease (WND). Also called: Wilson's disease. Identifiers: Orphanet 905, MedGen C0019202, MONDO:0010200, OMIM 277900. Disease mechanism: loss of function.

Submission:

All of Us Research Program, National Institutes of Health
Classification: Pathogenic for Wilson disease. Last evaluated: 2023-10-23. Review status: criteria provided, single submitter. Criteria: ACMG Guidelines, 2015. Collection method: clinical testing. Allele origin: germline. Inheritance: Autosomal recessive inheritance. Observed: 1 variant allele, 1 heterozygote.
Comment: This variant deletes 2 nucleotides in exon 15/21 of the ATP7B gene, creating a frameshift and premature translation stop signal. This variant is expected to result in an absent or non-functional protein product. This variant has been observed in two individuals affected with autosomal recessive Wilson disease (PMID: 27022412, 27398169). One of these individuals has been reported to carry a second pathogenic variant in the same gene (PMID: 27398169). This variant has not been identified in the general population by the Genome Aggregation Database (gnomAD). Loss of ATP7B function is a known mechanism of disease. Based on the available evidence, this variant is classified as Pathogenic.

This study involves interpretation of variants in research participants for the purpose of population health screening. Participant phenotype was not available at the time of variant classification. Additional details can be found in publication PMID: 35346344, PMCID: PMC8962531

Literature cited by the submitters: PubMed 27022412; PubMed 27398169.

NM_000053.4(ATP7B):c.3377_3378del (p.His1126fs)

Gene: ATP7B (ATPase copper transporting beta; minus strand). Cytogenetic location: 13q14.3.
Variant type: Deletion.
Coding change: c.3377_3378del on transcript NM_000053.4 (MANE Select); coding-DNA positions 3377 to 3378, 2 bases deleted (AC; older notation c.3377_3378delAC).
Protein change: p.His1126fs; shifts the reading frame from histidine 1126.
Molecular consequence: frameshift variant.
Genome position (GRCh38, 1-based): chr13:51,942,420-51,942,421, GT deleted on the plus strand (AC on the coding strand, the reverse complement: ATP7B is on the minus strand); deleting any 2 consecutive bases within chr13:51,942,420-51,942,422 gives the same sequence; the c. name uses the placement nearest the transcript's 3' end. VCF-style (leftmost placement, unchanged base first): chr13-51942419-GGT-G. GRCh37 (hg19) VCF-style: chr13-52516555-GGT-G.
Other names: c.3377_3378del, p.His1126fs (NM_001406512.1, NM_001406511.1, NM_001406526.1); c.3371_3372del, p.His1124fs (NM_001406513.1); c.3344_3345del, p.His1115fs (NM_001406514.1); c.3323_3324del, p.His1108fs (NM_001406515.1, NM_001406516.1); c.3281_3282del, p.His1094fs (NM_001406517.1, NM_001406518.1); c.3242_3243del, p.His1081fs (NM_001406519.1); c.3233_3234del, p.His1078fs (NM_001406520.1, NM_001406521.1, NM_001406522.1); c.3089_3090del, p.His1030fs (NM_001406534.1); and 19 more; short protein forms H1010fs, H1013fs, H1015fs, H1016fs, H1030fs, H1042fs, H1046fs, H1048fs.
Identifiers: ClinVar variation 3074150 (VCV003074150.1), dbSNP rs2547611792, ClinGen allele CA2695218720.